The following is an entry in ClinVar:

NM_001848.3(COL6A1):c.995G>T (p.Gly332Val)

Gene: COL6A1 (collagen type VI alpha 1 chain; plus strand). Cytogenetic location: 21q22.3.
Variant type: single nucleotide variant.
Coding change: c.995G>T on transcript NM_001848.3 (MANE Select); coding-DNA position 995, G replaced by T.
Protein change: p.Gly332Val; replaces glycine 332 with valine.
Molecular consequence: missense variant.
Genome position (GRCh38, 1-based): chr21:45,990,415, G>T. VCF-style: chr21-45990415-G-T. GRCh37 (hg19) VCF-style: chr21-47410329-G-T.
Other names: short protein forms G332V.
Identifiers: ClinVar variation 2019338 (VCV002019338.4), dbSNP rs2526323470, ClinGen allele CA410522740.
Genomic context (GRCh38, chr21:45,990,415, plus strand): 5'-GCCTTCGTTTTCCCGCCTCACAGGGAGAGAAGGGCAAGCGTGGCATCGACGGGGTGGACG[G>T]CGTGAAGGTGACTGGGGGGAGATAGGATGGACGGGGAGGGACGAGGAGGAATGGGGCGAG-3'
Protein context (NP_001839.2, residues 322-342): KGKRGIDGVD[Gly332Val]VKGEMGYPGL

ClinVar aggregate classification (germline): Uncertain significance (1 of 4 stars; one submission).

Conditions:
Bethlem myopathy 1A. Also called: MYOPATHY, BENIGN CONGENITAL, WITH CONTRACTURES; Bethlem myopathy 1; Bethlem Muscular Dystrophy. Identifiers: Orphanet 610, MedGen CN029274, MONDO:0024530, OMIM 158810.

Submission:

Labcorp Genetics (formerly Invitae), Labcorp
Classification: Uncertain significance for Bethlem myopathy 1A. Last evaluated: 2022-07-23. Review status: criteria provided, single submitter. Criteria: Invitae Variant Classification Sherloc (09022015). Collection method: clinical testing. Allele origin: germline.
Comment: Advanced modeling of protein sequence and biophysical properties (such as structural, functional, and spatial information, amino acid conservation, physicochemical variation, residue mobility, and thermodynamic stability) performed at Invitae indicates that this missense variant is expected to disrupt COL6A1 protein function. In summary, the available evidence is currently insufficient to determine the role of this variant in disease. Therefore, it has been classified as a Variant of Uncertain Significance. This variant disrupts the triple helix domain of COL6A1. Glycine residues within the Gly-Xaa-Yaa repeats of the triple helix domain are required for the structure and stability of fibrillar collagens (PMID: 7695699, 8218237, 19344236). In COL6A1, variants at these glycine residues are significantly enriched in individuals with autosomal dominant disease (PMID: 15689448, 24038877) compared to the general population (ExAC). This sequence change replaces glycine, which is neutral and non-polar, with valine, which is neutral and non-polar, at codon 332 of the COL6A1 protein (p.Gly332Val). This variant is not present in population databases (gnomAD no frequency). This variant has not been reported in the literature in individuals affected with COL6A1-related conditions.

Literature cited by the submitters: PubMed 7695699; PubMed 8218237; PubMed 19344236; PubMed 15689448; PubMed 24038877.